The following is an entry in ClinVar:

NM_206937.2(LIG4):c.8C>T (p.Ala3Val)

Gene: LIG4 (DNA ligase 4; minus strand). Cytogenetic location: 13q33.3.
Variant type: single nucleotide variant.
Coding change: c.8C>T on transcript NM_206937.2 (MANE Select); coding-DNA position 8, C replaced by T.
Protein change: p.Ala3Val; replaces alanine 3 with valine.
Molecular consequence: missense variant. On other transcripts: intron variant (2).
Genome position (GRCh38, 1-based): chr13:108,211,261, G>A on the plus strand (C>T on the coding strand, the complement: LIG4 is on the minus strand). VCF-style: chr13-108211261-G-A. GRCh37 (hg19) VCF-style: chr13-108863609-G-A.
Other names: p.A3V:GCC>GTC; c.8C>T, p.Ala3Val (NM_001098268.2, NM_001352598.2, NM_001352599.2 and 6 more transcripts); c.-149-45C>T (NM_001330595.2); c.89-45C>T (NM_001352604.2); c.8C>T (NM_206937.1); short protein forms A3V.
Identifiers: ClinVar variation 7676 (VCV000007676.25), dbSNP rs1805389, ClinGen allele CA118984.

ClinVar aggregate classification (germline): Benign/Likely benign. Review status: criteria provided, multiple submitters, no conflicts (2 of 4 stars). 12 submissions from 11 submitters: Benign (6); Likely benign (3). 3 of the submissions do not count toward it. Last evaluated 2026-02-04.

Conditions:
DNA ligase IV deficiency. Identifiers: Orphanet 99812, MedGen C1847827, MONDO:0011686, OMIM 606593.
Multiple myeloma, resistance to. Identifiers: MedGen C4016764.
Severe combined immunodeficiency due to DCLRE1C deficiency (RS-SCID). Also called: SCID, AUTOSOMAL RECESSIVE, T CELL-NEGATIVE, B CELL-NEGATIVE, NK CELL-POSITIVE, WITH SENSITIVITY TO IONIZING RADIATION. Identifiers: Orphanet 275, MedGen C1865371, MONDO:0011225, OMIM 602450.

Allele frequency attached by ClinVar (database versions not stated): 1000 Genomes Project 0.05411; 1000 Genomes Project 30x 0.05309; TOPMed 0.04684; gnomAD 0.04996.
gnomAD v4.1: 83,864 of 1,608,224 alleles (5.2%); highest among the groups gnomAD compares: East Asian, 9.5%; 2,461 homozygotes.

Submissions (12):

Labcorp Genetics (formerly Invitae), Labcorp
Classification: Benign for DNA ligase IV deficiency. Last evaluated: 2026-02-04. Review status: criteria provided, single submitter. Criteria: Invitae Variant Classification Sherloc (09022015). Collection method: clinical testing. Allele origin: germline.

Blueprint Genetics
Classification: Likely benign. Last evaluated: 2024-11-27. Review status: criteria provided, single submitter. Criteria: ACMG Guidelines, 2015. Collection method: clinical testing. Allele origin: germline.

KCCC/NGS Laboratory, Kuwait Cancer Control Center
Classification: Benign for DNA ligase IV deficiency. Last evaluated: 2023-07-07. Review status: criteria provided, single submitter. Criteria: ACMG Guidelines, 2015. Collection method: clinical testing. Allele origin: germline. Affected: yes.

Women's Health and Genetics/Laboratory Corporation of America, LabCorp
Classification: Likely benign. Last evaluated: 2021-12-10. Review status: criteria provided, single submitter. Criteria: LabCorp Variant Classification Summary - May 2015. Collection method: clinical testing. Allele origin: germline.

Mayo Clinic Laboratories, Mayo Clinic
Classification: Benign. Last evaluated: 2018-03-23. Review status: criteria provided, single submitter. Criteria: ACMG Guidelines, 2015. Collection method: clinical testing. Allele origin: germline. Observed: 118 variant alleles.

Illumina Laboratory Services, Illumina
Classification: Benign for DNA ligase IV deficiency. Last evaluated: 2018-03-06. Review status: criteria provided, single submitter. Criteria: ICSL Variant Classification Criteria 13 December 2019. Collection method: clinical testing. Allele origin: germline.
Comment: This variant was observed in the ICSL laboratory as part of a predisposition screen in an ostensibly healthy population. It had not been previously curated by ICSL or reported in the Human Gene Mutation Database (HGMD: prior to June 1st, 2018), and was therefore a candidate for classification through an automated scoring system. Utilizing variant allele frequency, disease prevalence and penetrance estimates, and inheritance mode, an automated score was calculated to assess if this variant is too frequent to cause the disease. Based on the score and internal cut-off values, a variant classified as benign is not then subjected to further curation. The score for this variant resulted in a classification of benign for this disease.

Illumina Laboratory Services, Illumina
Classification: Benign for Severe combined immunodeficiency due to DCLRE1C deficiency. Last evaluated: 2018-03-06. Review status: criteria provided, single submitter. Criteria: ICSL Variant Classification Criteria 13 December 2019. Collection method: clinical testing. Allele origin: germline.
Comment: the same text as in the submission from Illumina Laboratory Services, Illumina above.

GeneDx
Classification: Benign. Last evaluated: 2013-02-28. Review status: criteria provided, single submitter. Criteria: GeneDx Variant Classification (06012015). Collection method: clinical testing. Allele origin: germline. Affected: yes.
Comment: This variant is considered likely benign or benign based on one or more of the following criteria: it is a conservative change, it occurs at a poorly conserved position in the protein, it is predicted to be benign by multiple in silico algorithms, and/or has population frequency not consistent with disease.

Breakthrough Genomics
Classification: Likely benign. Review status: criteria provided, single submitter. Criteria: ACMG Guidelines, 2015. Collection method: not provided. Allele origin: germline. Inheritance: Autosomal recessive inheritance. Affected: yes.

OMIM
Classification: protective for MULTIPLE MYELOMA, RESISTANCE TO. Last evaluated: 2002-12-01. Review status: no assertion criteria provided. Collection method: literature only. Allele origin: germline. Not counted in ClinVar's aggregate classification.

Diagnostic Laboratory, Department of Genetics, University Medical Center Groningen
Classification: Benign. Review status: no assertion criteria provided. Collection method: clinical testing. Allele origin: germline. Affected: yes. Study: VKGL Data-share Consensus. Not counted in ClinVar's aggregate classification.

Genome Diagnostics Laboratory, University Medical Center Utrecht
Classification: Likely benign. Review status: no assertion criteria provided. Collection method: clinical testing. Allele origin: germline. Affected: yes. Study: VKGL Data-share Consensus. Not counted in ClinVar's aggregate classification.

Literature cited by the submitters: PubMed 12471202 (cited by OMIM).